The following is an entry in ClinVar:

NM_139318.5(KCNH5):c.888T>A (p.Asp296Glu)

Gene: KCNH5 (potassium voltage-gated channel subfamily H member 5; minus strand). Cytogenetic location: 14q23.2.
Variant type: single nucleotide variant.
Coding change: c.888T>A on transcript NM_139318.5 (MANE Select); coding-DNA position 888, T replaced by A.
Protein change: p.Asp296Glu; replaces aspartic acid 296 with glutamic acid.
Molecular consequence: missense variant.
Genome position (GRCh38, 1-based): chr14:62,980,926, A>T on the plus strand (T>A on the coding strand, the complement: KCNH5 is on the minus strand). VCF-style: chr14-62980926-A-T. GRCh37 (hg19) VCF-style: chr14-63447644-A-T.
Other names: c.888T>A, p.Asp296Glu (NM_172375.3); short protein forms D296E.
Identifiers: ClinVar variation 3339971 (VCV003339971.1).

ClinVar aggregate classification (germline): Uncertain significance (1 of 4 stars; one submission).

Submission:

Women's Health and Genetics/Laboratory Corporation of America, LabCorp
Classification: Uncertain significance. Last evaluated: 2024-06-19. Review status: criteria provided, single submitter. Criteria: LabCorp Variant Classification Summary - May 2015. Collection method: clinical testing. Allele origin: germline.
Comment: Variant summary: KCNH5 c.888T>A (p.Asp296Glu) results in a conservative amino acid change located in the Ion transport domain (IPR005821) of the encoded protein sequence. Four of five in-silico tools predict a damaging effect of the variant on protein function. The frequency data for this variant in gnomAD is considered unreliable, as metrics indicate poor data quality at this position. To our knowledge, no occurrence of c.888T>A in individuals affected with Developmental And Epileptic Encephalopathy-112 and no experimental evidence demonstrating its impact on protein function have been reported. No submitters have cited clinical-significance assessments for this variant to ClinVar. Based on the evidence outlined above, the variant was classified as uncertain significance.